The following is an entry in ClinVar:

NM_001122681.2(SH3BP2):c.*2163A>T

Gene: SH3BP2 (SH3 domain binding protein 2; plus strand). Cytogenetic location: 4p16.3.
Variant type: single nucleotide variant.
Coding change: c.*2163A>T on transcript NM_001122681.2 (MANE Select); 2163 bases downstream of the stop codon, A replaced by T.
Molecular consequence: 3 prime UTR variant.
Genome position (GRCh38, 1-based): chr4:2,835,997, A>T. VCF-style: chr4-2835997-A-T. GRCh37 (hg19) VCF-style: chr4-2837724-A-T.
Other names: c.*2163A>T (LRG_1334t1, LRG_1334t2, NM_001145855.2 and 2 more transcripts).
Identifiers: ClinVar variation 348628 (VCV000348628.5), dbSNP rs170763, ClinGen allele CA10620923.

ClinVar aggregate classification (germline): Benign (1 of 4 stars; one submission).

Conditions:
Fibrous dysplasia of jaw (CRBM). Also called: Cherubism. Identifiers: Orphanet 184, MedGen C0008029, MONDO:0007315, OMIM 118400.

Allele frequency attached by ClinVar (database versions not stated): gnomAD exomes 0.01596; gnomAD 0.03912 and 0.04196; TOPMed 0.04347; 1000 Genomes Project 0.04493; 1000 Genomes Project 30x 0.04778.
gnomAD v4.1: 5,902 of 152,400 alleles (3.9%); highest among the groups gnomAD compares: African/African-American, 13%; 374 homozygotes.

Submission:

Illumina Laboratory Services, Illumina
Classification: Benign for Fibrous dysplasia of jaw. Last evaluated: 2018-01-13. Review status: criteria provided, single submitter. Criteria: ICSL Variant Classification Criteria 13 December 2019. Collection method: clinical testing. Allele origin: germline.
Comment: This variant was observed in the ICSL laboratory as part of a predisposition screen in an ostensibly healthy population. It had not been previously curated by ICSL or reported in the Human Gene Mutation Database (HGMD: prior to June 1st, 2018), and was therefore a candidate for classification through an automated scoring system. Utilizing variant allele frequency, disease prevalence and penetrance estimates, and inheritance mode, an automated score was calculated to assess if this variant is too frequent to cause the disease. Based on the score and internal cut-off values, a variant classified as benign is not then subjected to further curation. The score for this variant resulted in a classification of benign for this disease.